The following is an entry in ClinVar:

NM_002734.5(PRKAR1A):c.763_766del (p.Ser254_Ile255insTer)

Gene: PRKAR1A (protein kinase cAMP-dependent type I regulatory subunit alpha; plus strand). Cytogenetic location: 17q24.2.
Variant type: Deletion.
Coding change: c.763_766del on transcript NM_002734.5 (MANE Select); coding-DNA positions 763 to 766, 4 bases deleted (ATTT; older notation c.763_766delATTT).
Protein change: p.Ser254_Ile255insTer.
Molecular consequence: nonsense.
Genome position (GRCh38, 1-based): chr17:68,527,894-68,527,897, ATTT deleted; deleting any 4 consecutive bases within chr17:68,527,893-68,527,897 gives the same sequence; the c. name uses the placement nearest the transcript's 3' end. VCF-style (leftmost placement, unchanged base first): chr17-68527892-CTATT-C. GRCh37 (hg19) VCF-style: chr17-66524033-CTATT-C.
Other names: c.763_766del, p.Ser254_Ile255insTer (NM_001276289.2, NM_001276290.1, NM_001278433.2 and 4 more transcripts).
Identifiers: ClinVar variation 2033429 (VCV002033429.4), dbSNP rs2509431113, ClinGen allele CA2580095034.
Genomic context (GRCh38, chr17:68,527,892, plus strand): 5'-ATTTTTAGGGAAGCACACTGAGAAAGCGGAAGATGTATGAGGAATTCCTTAGTAAAGTCT[CTATT>C]TTAGGTGAGTTGTAAAGTGTGTTAACTTTGCTAGTATGTGAGATACCCCTGAATTAGAAT-3'

ClinVar aggregate classification (germline): Pathogenic (1 of 4 stars; one submission).

Conditions:
Carney complex, type 1 (CNC1). Also called: CARNEY MYXOMA-ENDOCRINE COMPLEX; CARNEY COMPLEX, TYPE I. Identifiers: Orphanet 1359, MedGen C2607929, MONDO:0008057, OMIM 160980.

Submission:

Labcorp Genetics (formerly Invitae), Labcorp
Classification: Pathogenic for Carney complex, type 1. Last evaluated: 2022-09-30. Review status: criteria provided, single submitter. Criteria: Invitae Variant Classification Sherloc (09022015). Collection method: clinical testing. Allele origin: germline.
Comment: This sequence change creates a premature translational stop signal (p.Ile255*) in the PRKAR1A gene. It is expected to result in an absent or disrupted protein product. Loss-of-function variants in PRKAR1A are known to be pathogenic (PMID: 11115848, 19293268). This variant is not present in population databases (gnomAD no frequency). For these reasons, this variant has been classified as Pathogenic. This variant has not been reported in the literature in individuals affected with PRKAR1A-related conditions.

Literature cited by the submitters: PubMed 11115848; PubMed 19293268.